The following is an entry in ClinVar:

ClinVar aggregate classification (germline): Uncertain significance (1 of 4 stars; one submission).

Conditions:
Mitochondrial complex II deficiency, nuclear type 1. Also called: SUCCINATE CoQ REDUCTASE DEFICIENCY. Identifiers: Orphanet 3208, MedGen C5700310, MONDO:0100294, OMIM 252011.
Pheochromocytoma/paraganglioma syndrome 5. Also called: SDHA-Related Hereditary Paraganglioma-Pheochromocytoma Syndrome; Paragangliomas 5. Identifiers: Orphanet 29072, MedGen C3279992, MONDO:0013602, OMIM 614165.

Allele frequency attached by ClinVar (database versions not stated): gnomAD exomes below 0.00001; TOPMed below 0.00001; gnomAD 0.00001.
gnomAD v4.1: 3 of 1,612,092 alleles (0.00019%); highest among the groups gnomAD compares: East Asian, 0.0045%; no homozygotes.

Submission:

Labcorp Genetics (formerly Invitae), Labcorp
Classification: Uncertain significance for Pheochromocytoma/paraganglioma syndrome 5; Mitochondrial complex II deficiency, nuclear type 1. Last evaluated: 2024-08-21. Review status: criteria provided, single submitter. Criteria: Invitae Variant Classification Sherloc (09022015). Collection method: clinical testing. Allele origin: germline.
Comment: This sequence change falls in intron 3 of the SDHA gene. It does not directly change the encoded amino acid sequence of the SDHA protein. This variant is present in population databases (no rsID available, gnomAD 0.06%). This variant has not been reported in the literature in individuals affected with SDHA-related conditions. ClinVar contains an entry for this variant (Variation ID: 412336). Studies have shown that this variant is associated with inconclusive levels of altered splicing (internal data). In summary, the available evidence is currently insufficient to determine the role of this variant in disease. Therefore, it has been classified as a Variant of Uncertain Significance.

NM_004168.4(SDHA):c.313-5T>G

Gene: SDHA (succinate dehydrogenase complex flavoprotein subunit A; plus strand). Cytogenetic location: 5p15.33.
Variant type: single nucleotide variant.
Coding change: c.313-5T>G on transcript NM_004168.4 (MANE Select); 5 bases into the intron before coding-DNA position 313, T replaced by G.
Molecular consequence: intron variant.
Genome position (GRCh38, 1-based): chr5:225,414, T>G. VCF-style: chr5-225414-T-G. GRCh37 (hg19) VCF-style: chr5-225529-T-G.
Other names: c.313-5T>G (NM_001330758.2); c.313-469T>G (NM_001294332.2).
Identifiers: ClinVar variation 412336 (VCV000412336.11), dbSNP rs1060503705, ClinGen allele CA16612045.